The following is an entry in ClinVar:

NM_000089.4(COL1A2):c.2035G>A (p.Gly679Ser)

Gene: COL1A2 (collagen type I alpha 2 chain; plus strand). Cytogenetic location: 7q21.3.
Variant type: single nucleotide variant.
Coding change: c.2035G>A on transcript NM_000089.4 (MANE Select); coding-DNA position 2035, G replaced by A.
Protein change: p.Gly679Ser; replaces glycine 679 with serine.
Molecular consequence: missense variant.
Genome position (GRCh38, 1-based): chr7:94,419,507, G>A. VCF-style: chr7-94419507-G-A. GRCh37 (hg19) VCF-style: chr7-94048819-G-A.
Other names: short protein forms G679S.
Identifiers: ClinVar variation 802335 (VCV000802335.5), dbSNP rs1584325552, ClinGen allele CA368223115.
Genomic context (GRCh38, chr7:94,419,507, plus strand): 5'-TTTGATGATACGGGGTGTTATTAATAAGACATGTTTCCTTTTTGGTACTAGGGTGCTCCT[G>A]GTGCTGTAGGTGCCCCTGGTCCTGCTGGAGCCACAGGTGACCGGGTAAGCATGCATTTTC-3'
Protein context (NP_000080.2, residues 669-689): PGRDGARGAP[Gly679Ser]AVGAPGPAGA

ClinVar aggregate classification (germline): Likely pathogenic. Review status: criteria provided, multiple submitters, no conflicts (2 of 4 stars). 2 submissions from 2 submitters: Likely pathogenic (2). Last evaluated 2019-05-28.

Conditions:
Osteogenesis imperfecta, perinatal lethal (OI2). Also called: OI, TYPE II; OSTEOGENESIS IMPERFECTA CONGENITA; Osteogenesis imperfecta, dominant perinatal lethal; VROLIK TYPE OF OSTEOGENESIS IMPERFECTA; Osteogenesis imperfecta type 2; OSTEOGENESIS IMPERFECTA, TYPE II. Identifiers: Orphanet 216804, MedGen C0268358, MONDO:0008147, OMIM 166210.
Ehlers-Danlos syndrome, classic type (cEDS). Identifiers: Orphanet 287, MedGen C4225429, MONDO:0007522.

Submissions (2):

Mendelics
Classification: Likely pathogenic for Ehlers-Danlos syndrome, classic type, 1. Last evaluated: 2019-05-28. Review status: criteria provided, single submitter. Criteria: Mendelics Assertion Criteria 2017. Collection method: clinical testing. Allele origin: unknown.

Neuberg Centre For Genomic Medicine, NCGM
Classification: Likely pathogenic for Osteogenesis imperfecta, perinatal lethal. Review status: criteria provided, single submitter. Criteria: ACMG Guidelines, 2015. Collection method: clinical testing. Allele origin: germline. Affected: yes.
Comment: The missense variant p.G679S in COL1A2 (NM_000089.4) has been submitted to ClinVar as Likely Pathogenic but no details are available for independent assesment. The variant is not reported in literature in affected individuals. The p.G679S variant is novel (not in any individuals) in gnomAD Exomes and is novel (not in any individuals) in 1000 Genomes. The variant affects a glycine residue within the collagen triple helix. Glycine residues within the triple helix are important and their substitution is usually associated with disease.The p.G679S missense variant is predicted to be damaging by both SIFT and PolyPhen2. The glycine residue at codon 679 of COL1A2 is conserved in all mammalian species. The nucleotide c.2035 in COL1A2 is predicted conserved by GERP++ and PhyloP across 100 vertebrates. For these reasons, this variant has been classified as Likely Pathogenic